The following is an entry in ClinVar:

NM_004304.5(ALK):c.4586_4587delinsTG (p.Asp1529Val)

Gene: ALK (ALK receptor tyrosine kinase; minus strand). Cytogenetic location: 2p23.2.
Variant type: Indel.
Coding change: c.4586_4587delinsTG on transcript NM_004304.5 (MANE Select); coding-DNA positions 4586 to 4587, AC replaced by TG.
Protein change: p.Asp1529Val; replaces aspartic acid 1529 with valine.
Molecular consequence: missense variant.
Genome position (GRCh38, 1-based): chr2:29,193,500-29,193,501, GT replaced by CA on the plus strand (AC replaced by TG on the coding strand, the reverse complement: ALK is on the minus strand). VCF-style: chr2-29193500-GT-CA. GRCh37 (hg19) VCF-style: chr2-29416366-GT-CA.
Other names: c.1382_1383delinsTG, p.Asp461Val (NM_001353765.2); c.4586_4587delACinsTG (NM_004304.4); short protein forms D461V, D1529V.
Identifiers: ClinVar variation 1038015 (VCV001038015.8), dbSNP rs1668934153, ClinGen allele CA1241070815.

ClinVar aggregate classification (germline): Conflicting classifications of pathogenicity. Review status: criteria provided, conflicting classifications (1 of 4 stars). 2 submissions from 2 submitters: Uncertain significance (1); Likely benign (1). Last evaluated 2025-10-27.

Conditions:
Neuroblastoma, susceptibility to, 3. Also called: ALK-Related Neuroblastic Tumor Susceptibility. Identifiers: Orphanet 635, MedGen C2751681, MONDO:0013083, OMIM 613014.
Hereditary cancer-predisposing syndrome. Also called: Neoplastic Syndromes, Hereditary; Hereditary Cancer Syndrome; Tumor predisposition; Hereditary neoplastic syndrome. Identifiers: Orphanet 140162, MedGen C0027672, MeSH D009386, MONDO:0015356.

Submissions (2):

Ambry Genetics
Classification: Likely benign for Hereditary cancer-predisposing syndrome. Last evaluated: 2025-10-27. Review status: criteria provided, single submitter. Criteria: Ambry Variant Classification Scheme 2023. Collection method: clinical testing. Allele origin: germline.

Labcorp Genetics (formerly Invitae), Labcorp
Classification: Uncertain significance for Neuroblastoma, susceptibility to, 3. Last evaluated: 2025-08-07. Review status: criteria provided, single submitter. Criteria: Invitae Variant Classification Sherloc (09022015). Collection method: clinical testing. Allele origin: germline.
Comment: This sequence change replaces aspartic acid, which is acidic and polar, with valine, which is neutral and non-polar, at codon 1529 of the ALK protein (p.Asp1529Val). Information on the frequency of this variant in the gnomAD database is not available, as this variant may be reported differently in the database. This variant has not been reported in the literature in individuals affected with ALK-related conditions. ClinVar contains an entry for this variant (Variation ID: 1038015). An algorithm developed to predict the effect of missense changes on protein structure and function (PolyPhen-2) suggests that this variant is likely to be tolerated. In summary, the available evidence is currently insufficient to determine the role of this variant in disease. Therefore, it has been classified as a Variant of Uncertain Significance.